The following is an entry in ClinVar:

NM_000297.4(PKD2):c.321_322insCG (p.Gly108fs)

Genes: PKD2 (polycystin 2, transient receptor potential cation channel; plus strand), LOC129992813 (ATAC-STARR-seq lymphoblastoid silent region 15559; plus strand). Cytogenetic location: 4q22.1.
Variant type: Insertion.
Coding change: c.321_322insCG on transcript NM_000297.4 (MANE Select); coding-DNA positions 321 to 322, CG inserted.
Protein change: p.Gly108fs; shifts the reading frame from glycine 108.
Molecular consequence: frameshift variant. On other transcripts: non-coding transcript variant (1).
Genome position: GRCh38 VCF-style: chr4-88008054-A-ACG. GRCh37 (hg19) VCF-style: chr4-88929206-A-ACG.
Other names: short protein forms G108fs.
Identifiers: ClinVar variation 3894585 (VCV003894585.1).

ClinVar aggregate classification (germline): Pathogenic (1 of 4 stars; one submission).

Conditions:
Polycystic kidney disease 2 (PKD2). Also called: POLYCYSTIC KIDNEY DISEASE 2 WITH OR WITHOUT POLYCYSTIC LIVER DISEASE; Polycystic Kidney Disease 2, Autosomal Dominant; POLYCYSTIC KIDNEY DISEASE, ADULT, TYPE II. Identifiers: MedGen C2751306, MONDO:0013131, OMIM 613095.

Submission:

MVZ Medizinische Genetik Mainz
Classification: Pathogenic for Polycystic kidney disease 2. Last evaluated: 2025-04-15. Review status: criteria provided, single submitter. Criteria: UK Practice Guidelines For Variant Classification V4 01 2020. Collection method: clinical testing. Allele origin: germline. Inheritance: Autosomal dominant inheritance. Affected: yes. Observed: 1 variant allele.
Comment: ACMG Criteria: PVS1,PM2_SUP,PP4